The following is an entry in ClinVar:

NM_001458.5(FLNC):c.3436A>G (p.Lys1146Glu)

Gene: FLNC (filamin C; plus strand). Cytogenetic location: 7q32.1.
Variant type: single nucleotide variant.
Coding change: c.3436A>G on transcript NM_001458.5 (MANE Select); coding-DNA position 3436, A replaced by G.
Protein change: p.Lys1146Glu; replaces lysine 1146 with glutamic acid.
Molecular consequence: missense variant.
Genome position (GRCh38, 1-based): chr7:128,844,901, A>G. VCF-style: chr7-128844901-A-G. GRCh37 (hg19) VCF-style: chr7-128484955-A-G.
Other names: c.3436A>G, p.Lys1146Glu (NM_001127487.2); short protein forms K1146E.
Identifiers: ClinVar variation 4812734 (VCV004812734.1).
Genomic context (GRCh38, chr7:128,844,901, plus strand): 5'-CCTGGCGAGTACACCATCAACATCCTGTTTGCTGAGGCCCACATCCCTGGCTCGCCCTTC[A>G]AAGCCACCATTCGGCCTGTGTTTGACCCGAGCAAGGTGCGGGCCAGTGGACCGGGCCTGG-3'
Protein context (NP_001449.3, residues 1136-1156): AEAHIPGSPF[Lys1146Glu]ATIRPVFDPS

ClinVar aggregate classification (germline): Uncertain significance (1 of 4 stars; one submission).

Conditions:
Hypertrophic cardiomyopathy 26. Also called: Cardiomyopathy, familial hypertrophic, 26. Identifiers: Orphanet 75249, MedGen C4310749, MONDO:0014883, OMIM 617047.
Myofibrillar myopathy 5. Also called: Filaminopathy (type); FILAMINOPATHY, AUTOSOMAL DOMINANT. Identifiers: Orphanet 171445, MedGen C1836050, MONDO:0012289, OMIM 609524.
Distal myopathy with posterior leg and anterior hand involvement. Also called: WILLIAMS DISTAL MYOPATHY. Identifiers: Orphanet 63273, MedGen C3279722, MONDO:0013550, OMIM 614065.

Submission:

Labcorp Genetics (formerly Invitae), Labcorp
Classification: Uncertain significance for Distal myopathy with posterior leg and anterior hand involvement; Myofibrillar myopathy 5; Hypertrophic cardiomyopathy 26. Last evaluated: 2025-07-09. Review status: criteria provided, single submitter. Criteria: Invitae Variant Classification Sherloc (09022015). Collection method: clinical testing. Allele origin: germline.
Comment: This sequence change replaces lysine, which is basic and polar, with glutamic acid, which is acidic and polar, at codon 1146 of the FLNC protein (p.Lys1146Glu). This variant is not present in population databases (gnomAD no frequency). This variant has not been reported in the literature in individuals affected with FLNC-related conditions. Invitae Evidence Modeling of protein sequence and biophysical properties (such as structural, functional, and spatial information, amino acid conservation, physicochemical variation, residue mobility, and thermodynamic stability) has been performed for this missense variant. However, the output from this modeling did not meet the statistical confidence thresholds required to predict the impact of this variant on FLNC protein function. In summary, the available evidence is currently insufficient to determine the role of this variant in disease. Therefore, it has been classified as a Variant of Uncertain Significance.